The following is an entry in ClinVar:

ClinVar aggregate classification (germline): Conflicting classifications of pathogenicity. Review status: criteria provided, conflicting classifications (1 of 4 stars). 2 submissions from 2 submitters: Uncertain significance (1); Likely benign (1). Last evaluated 2023-12-04.

Conditions:
Hereditary cancer-predisposing syndrome. Also called: Hereditary Cancer Syndrome; Neoplastic Syndromes, Hereditary; Tumor predisposition; Hereditary neoplastic syndrome. Identifiers: Orphanet 140162, MedGen C0027672, MeSH D009386, MONDO:0015356.

gnomAD v4.1: 1 of 1,592,518 alleles (0.000063%); highest among the groups gnomAD compares: Non-Finnish European, 0.000085%; no homozygotes.

Submissions (2):

Color Diagnostics, LLC DBA Color Health
Classification: Uncertain significance for Hereditary cancer-predisposing syndrome. Last evaluated: 2023-12-04. Review status: criteria provided, single submitter. Criteria: ACMG Guidelines, 2015. Collection method: clinical testing. Allele origin: germline.
Comment: This missense variant replaces aspartic acid with histidine at codon 2161 of the BRCA2 protein. Computational prediction suggests that this variant may not impact protein structure and function (internally defined REVEL score threshold <= 0.5, PMID: 27666373). To our knowledge, functional studies have not been reported for this variant. This variant has not been reported in individuals affected with BRCA2-related disorders in the literature. This variant has not been identified in the general population by the Genome Aggregation Database (gnomAD). The available evidence is insufficient to determine the role of this variant in disease conclusively. Therefore, this variant is classified as a Variant of Uncertain Significance.

University of Washington Department of Laboratory Medicine, University of Washington
Classification: Likely benign for Hereditary cancer-predisposing syndrome. Last evaluated: 2023-03-23. Review status: criteria provided, single submitter. Criteria: Dines et al. (Genet Med. 2020). Collection method: curation. Allele origin: germline.
Comment: Missense variant in a coldspot region where missense variants are very unlikely to be pathogenic (PMID:31911673).

BRCA2 exon 11 coldspot. Reclassification based on statistical prior probability.

NM_000059.4(BRCA2):c.6481G>C (p.Asp2161His)

Gene: BRCA2 (BRCA2 DNA repair associated; plus strand). Cytogenetic location: 13q13.1.
Variant type: single nucleotide variant.
Coding change: c.6481G>C on transcript NM_000059.4 (MANE Select); coding-DNA position 6481, G replaced by C.
Protein change: p.Asp2161His; replaces aspartic acid 2161 with histidine.
Molecular consequence: missense variant.
Genome position (GRCh38, 1-based): chr13:32,340,836, G>C. VCF-style: chr13-32340836-G-C. GRCh37 (hg19) VCF-style: chr13-32914973-G-C.
Other names: short protein forms D2161H.
Identifiers: ClinVar variation 489771 (VCV000489771.8), dbSNP rs1555284714, ClinGen allele CA387789443.
Genomic context (GRCh38, chr13:32,340,836, plus strand): 5'-GGTTCTTCAGAAAATAATCACTCTATTAAAGTTTCTCCATATCTCTCTCAATTTCAACAA[G>C]ACAAACAACAGTTGGTATTAGGAACCAAAGTGTCACTTGTTGAGAACATTCATGTTTTGG-3'
Protein context (NP_000050.3, residues 2151-2171): VSPYLSQFQQ[Asp2161His]KQQLVLGTKV